The following is an entry in ClinVar:

NM_004211.5(SLC6A5):c.218A>G (p.Glu73Gly)

Gene: SLC6A5 (solute carrier family 6 member 5; plus strand). Cytogenetic location: 11p15.1.
Variant type: single nucleotide variant.
Coding change: c.218A>G on transcript NM_004211.5 (MANE Select); coding-DNA position 218, A replaced by G.
Protein change: p.Glu73Gly; replaces glutamic acid 73 with glycine.
Molecular consequence: missense variant. On other transcripts: 5 prime UTR variant (1).
Genome position (GRCh38, 1-based): chr11:20,601,343, A>G. VCF-style: chr11-20601343-A-G. GRCh37 (hg19) VCF-style: chr11-20622889-A-G.
Other names: c.-346A>G (NM_001318369.2); short protein forms E73G.
Identifiers: ClinVar variation 1715130 (VCV001715130.5), dbSNP rs1852470763, ClinGen allele CA379911483.
Genomic context (GRCh38, chr11:20,601,343, plus strand): 5'-GGTCCGCTTCCACCGGCGCCCAAACTTTCCAGTCAGCGGACGCGCGAGCCTGCGAGGCTG[A>G]GCGGCCAGGAGTGGGGTCTTGCAAACTCAGTAGCCCGCGGGCGCAGGCGGCCTCTGCAGC-3'
Protein context (NP_004202.4, residues 63-83): QSADARACEA[Glu73Gly]RPGVGSCKLS

ClinVar aggregate classification (germline): Uncertain significance (1 of 4 stars; one submission).

Conditions:
Hyperekplexia 3 (HKPX3). Also called: HYPEREKPLEXIA 3, AUTOSOMAL RECESSIVE; HYPEREKPLEXIA 3, AUTOSOMAL DOMINANT. Identifiers: Orphanet 3197, MedGen C3553288, MONDO:0013827, OMIM 614618.

Allele frequency attached by ClinVar (database versions not stated): TOPMed below 0.00001; gnomAD 0.00001.
gnomAD v4.1: 1 of 1,598,452 alleles (0.000063%); highest among the groups gnomAD compares: Non-Finnish European, 0.000085%; no homozygotes.

Submission:

Labcorp Genetics (formerly Invitae), Labcorp
Classification: Uncertain significance for Hyperekplexia 3. Last evaluated: 2023-08-04. Review status: criteria provided, single submitter. Criteria: Invitae Variant Classification Sherloc (09022015). Collection method: clinical testing. Allele origin: germline.
Comment: ClinVar contains an entry for this variant (Variation ID: 1715130). Advanced modeling of protein sequence and biophysical properties (such as structural, functional, and spatial information, amino acid conservation, physicochemical variation, residue mobility, and thermodynamic stability) performed at Invitae indicates that this missense variant is not expected to disrupt SLC6A5 protein function. In summary, the available evidence is currently insufficient to determine the role of this variant in disease. Therefore, it has been classified as a Variant of Uncertain Significance. This variant has not been reported in the literature in individuals affected with SLC6A5-related conditions. This sequence change replaces glutamic acid, which is acidic and polar, with glycine, which is neutral and non-polar, at codon 73 of the SLC6A5 protein (p.Glu73Gly). This variant is not present in population databases (gnomAD no frequency).